The following is an entry in ClinVar:

NM_177972.3(TUB):c.1005C>G (p.Asn335Lys)

Genes: RIC3 (RIC3 acetylcholine receptor chaperone; minus strand), TUB (TUB bipartite transcription factor; plus strand). Cytogenetic location: 11p15.4.
Variant type: single nucleotide variant.
Coding change: c.1005C>G on transcript NM_177972.3 (MANE Select); coding-DNA position 1005, C replaced by G.
Protein change: p.Asn335Lys; replaces asparagine 335 with lysine.
Molecular consequence: missense variant.
Genome position (GRCh38, 1-based): chr11:8,098,764, C>G. VCF-style: chr11-8098764-C-G. GRCh37 (hg19) VCF-style: chr11-8120311-C-G.
Other names: c.1170C>G (NM_003320.4); c.1170C>G, p.Asn390Lys (NM_003320.5); short protein forms N335K, N390K.
Identifiers: ClinVar variation 2127256 (VCV002127256.5), dbSNP rs750704261, ClinGen allele CA379570327.
Genomic context (GRCh38, chr11:8,098,764, plus strand): 5'-CCTGCTCTGGGGCAGAGGGTGCATGACTCTATACTGATTGTGCCTTTATTTCAGGTCCAA[C>G]TTGATGGGCACCAAGTTCACTGTTTATGACAATGGAGTCAACCCTCAGAAGGCCTCATCC-3'
Protein context (NP_813977.1, residues 325-345): GDSYIGKLRS[Asn335Lys]LMGTKFTVYD

ClinVar aggregate classification (germline): Uncertain significance. Review status: criteria provided, multiple submitters, no conflicts (2 of 4 stars). 2 submissions from 2 submitters: Uncertain significance (2). Last evaluated 2025-08-13.

Conditions:
TUB-related disorder. Also called: TUB-related condition.

Submissions (2):

PreventionGenetics, part of Exact Sciences
Classification: Uncertain significance for TUB-related condition. Last evaluated: 2025-08-13. Review status: criteria provided, single submitter. Criteria: ACMG Guidelines, 2015. Collection method: clinical testing. Allele origin: germline.
Comment: The TUB c.1170C>G variant is predicted to result in the amino acid substitution p.Asn390Lys. To our knowledge, this variant has not been reported in the literature or in a large population database (gnomAD), indicating this variant is rare. At this time, the clinical significance of this variant is uncertain due to the absence of conclusive functional and genetic evidence.

Labcorp Genetics (formerly Invitae), Labcorp
Classification: Uncertain significance. Last evaluated: 2022-04-17. Review status: criteria provided, single submitter. Criteria: Invitae Variant Classification Sherloc (09022015). Collection method: clinical testing. Allele origin: germline.
Comment: This sequence change replaces asparagine, which is neutral and polar, with lysine, which is basic and polar, at codon 390 of the TUB protein (p.Asn390Lys). This variant is not present in population databases (gnomAD no frequency). This variant has not been reported in the literature in individuals affected with TUB-related conditions. Algorithms developed to predict the effect of missense changes on protein structure and function (SIFT, PolyPhen-2, Align-GVGD) all suggest that this variant is likely to be disruptive. In summary, the available evidence is currently insufficient to determine the role of this variant in disease. Therefore, it has been classified as a Variant of Uncertain Significance.